The following is an entry in ClinVar:

ClinVar aggregate classification (germline): Uncertain significance (1 of 4 stars; one submission).

Conditions:
Wilson disease (WND). Also called: Wilson's disease. Identifiers: Orphanet 905, MedGen C0019202, MONDO:0010200, OMIM 277900. Disease mechanism: loss of function.

gnomAD v4.1: 1 of 1,613,806 alleles (0.000062%); highest among the groups gnomAD compares: Non-Finnish European, 0.000085%; no homozygotes.

Submission:

Labcorp Genetics (formerly Invitae), Labcorp
Classification: Uncertain significance for Wilson disease. Last evaluated: 2024-02-23. Review status: criteria provided, single submitter. Criteria: Invitae Variant Classification Sherloc (09022015). Collection method: clinical testing. Allele origin: germline.
Comment: This sequence change replaces proline, which is neutral and non-polar, with serine, which is neutral and polar, at codon 610 of the ATP7B protein (p.Pro610Ser). This variant is not present in population databases (gnomAD no frequency). This variant has not been reported in the literature in individuals affected with ATP7B-related conditions. ClinVar contains an entry for this variant (Variation ID: 1495616). Advanced modeling of protein sequence and biophysical properties (such as structural, functional, and spatial information, amino acid conservation, physicochemical variation, residue mobility, and thermodynamic stability) performed at Invitae indicates that this missense variant is not expected to disrupt ATP7B protein function with a negative predictive value of 80%. In summary, the available evidence is currently insufficient to determine the role of this variant in disease. Therefore, it has been classified as a Variant of Uncertain Significance.

NM_000053.4(ATP7B):c.1828C>T (p.Pro610Ser)

Gene: ATP7B (ATPase copper transporting beta; minus strand). Cytogenetic location: 13q14.3.
Variant type: single nucleotide variant.
Coding change: c.1828C>T on transcript NM_000053.4 (MANE Select); coding-DNA position 1828, C replaced by T.
Protein change: p.Pro610Ser; replaces proline 610 with serine.
Molecular consequence: missense variant.
Genome position (GRCh38, 1-based): chr13:51,964,913, G>A on the plus strand (C>T on the coding strand, the complement: ATP7B is on the minus strand). VCF-style: chr13-51964913-G-A. GRCh37 (hg19) VCF-style: chr13-52539049-G-A.
Other names: c.1828C>T, p.Pro610Ser (NM_001005918.3, NM_001330578.2, NM_001330579.2); c.1495C>T, p.Pro499Ser (NM_001243182.2); short protein forms P499S, P610S.
Identifiers: ClinVar variation 1495616 (VCV001495616.6), dbSNP rs753069338, ClinGen allele CA388030164.